The following is an entry in ClinVar:

NM_001205293.3(CACNA1E):c.56C>G (p.Ser19Trp)

Gene: CACNA1E (calcium voltage-gated channel subunit alpha1 E; plus strand). Cytogenetic location: 1q25.3.
Variant type: single nucleotide variant.
Coding change: c.56C>G on transcript NM_001205293.3 (MANE Select); coding-DNA position 56, C replaced by G.
Protein change: p.Ser19Trp; replaces serine 19 with tryptophan.
Molecular consequence: missense variant.
Genome position (GRCh38, 1-based): chr1:181,483,800, C>G. VCF-style: chr1-181483800-C-G. GRCh37 (hg19) VCF-style: chr1-181452936-C-G.
Other names: c.56C>G, p.Ser19Trp (NM_000721.4, NM_001205294.2); short protein forms S19W.
Identifiers: ClinVar variation 1306146 (VCV001306146.3), dbSNP rs758128368, ClinGen allele CA343844246.

ClinVar aggregate classification (germline): Uncertain significance (1 of 4 stars; one submission).

gnomAD v4.1: 1 of 1,613,066 alleles (0.000062%); highest among the groups gnomAD compares: African/African-American, 0.0013%; no homozygotes.

Submission:

GeneDx
Classification: Uncertain significance. Last evaluated: 2025-12-29. Review status: criteria provided, single submitter. Criteria: GeneDx Variant Classification Process June 2021. Collection method: clinical testing. Allele origin: germline. Affected: yes.
Comment: Not observed at significant frequency in large population cohorts (gnomAD); In silico analysis supports that this missense variant has a deleterious effect on protein structure/function; Has not been previously published as pathogenic or benign to our knowledge